The following is an entry in ClinVar:

NM_022124.6(CDH23):c.2976G>T (p.Thr992=)

Gene: CDH23 (cadherin related 23; plus strand). Cytogenetic location: 10q22.1.
Variant type: single nucleotide variant.
Coding change: c.2976G>T on transcript NM_022124.6 (MANE Select); coding-DNA position 2976, G replaced by T.
Protein change: p.Thr992=; no amino-acid change (threonine 992 retained).
Molecular consequence: synonymous variant.
Genome position (GRCh38, 1-based): chr10:71,706,919, G>T. VCF-style: chr10-71706919-G-T. GRCh37 (hg19) VCF-style: chr10-73466676-G-T.
Other names: c.2976G>T (NM_022124.5); c.2976G>T, p.Thr992= (NM_001171930.2, NM_001171931.2).
Identifiers: ClinVar variation 1082245 (VCV001082245.11), dbSNP rs553405751, ClinGen allele CA5544413.
Genomic context (GRCh38, chr10:71,706,919, plus strand): 5'-AAGCCAGGCCTAGCCCCGGCGCCCGTTCTGCCCCGCAGTGCTGGATGTGAACGACGAGAC[G>T]CCCACCTTCTTCCCGGCCGTGTACAATGTGTCTGTGTCCGAGGACGTGCCACGCGAGTTC-3'
Protein context (NP_071407.4, residues 982-1002): TIHVLDVNDE[Thr992=]PTFFPAVYNV

ClinVar aggregate classification (germline): Likely benign. Review status: criteria provided, multiple submitters, no conflicts (2 of 4 stars). 3 submissions from 3 submitters: Likely benign (3). Last evaluated 2025-03-13.

Conditions:
CDH23-related disorder. Also called: CDH23-related disorders; CDH23-related condition.

gnomAD v4.1: 31 of 1,604,042 alleles (0.0019%); highest among the groups gnomAD compares: South Asian, 0.03%; no homozygotes.

Submissions (3):

PreventionGenetics, part of Exact Sciences
Classification: Likely benign for CDH23-related condition. Last evaluated: 2025-03-13. Review status: criteria provided, single submitter. Criteria: ACMG Guidelines, 2015. Collection method: clinical testing. Allele origin: germline.
Comment: This variant is classified as likely benign based on ACMG/AMP sequence variant interpretation guidelines (Richards et al. 2015 PMID: 25741868, with internal and published modifications).

Labcorp Genetics (formerly Invitae), Labcorp
Classification: Likely benign. Last evaluated: 2024-02-24. Review status: criteria provided, single submitter. Criteria: Invitae Variant Classification Sherloc (09022015). Collection method: clinical testing. Allele origin: germline.

Blueprint Genetics
Classification: Likely benign. Last evaluated: 2023-02-20. Review status: criteria provided, single submitter. Criteria: ACMG Guidelines, 2015. Collection method: clinical testing. Allele origin: germline.